The following is an entry in ClinVar:

ClinVar aggregate classification (germline): Pathogenic/Likely pathogenic. Review status: criteria provided, multiple submitters, no conflicts (2 of 4 stars). 2 submissions from 2 submitters: Pathogenic (1); Likely pathogenic (1). Last evaluated 2022-01-03.

Conditions:
Autosomal recessive Alport syndrome (ATS2). Also called: ALPORT SYNDROME 2, AUTOSOMAL RECESSIVE; COL4A4 Alport Syndrome and Thin Basement Membrane Nephropathy; COL4A3-Related Nephropathy; Alport syndrome type 2. Identifiers: Orphanet 63, Orphanet 88919, MedGen C4746745, MONDO:0008762, OMIM 203780.

Allele frequency attached by ClinVar (database versions not stated): TOPMed below 0.00001.

Submissions (2):

3billion
Classification: Likely pathogenic for Autosomal recessive Alport syndrome. Last evaluated: 2022-01-03. Review status: criteria provided, single submitter. Criteria: ACMG Guidelines, 2015. Collection method: clinical testing. Allele origin: germline. Affected: yes. Observed: 1 homozygote.
Comment: Canonical splice site: predicted to alter splicing and result in a loss or disruption of normal protein function through protein truncation. Multiple pathogenic variants are reported in the predicted truncated region (PVS1_VS).It is not observed in the gnomAD v2.1.1 dataset (PM2_M). Therefore, this variant is classified as likely pathogenic according to the recommendation of ACMG/AMP guideline.

Labcorp Genetics (formerly Invitae), Labcorp
Classification: Pathogenic. Last evaluated: 2021-07-13. Review status: criteria provided, single submitter. Criteria: Invitae Variant Classification Sherloc (09022015). Collection method: clinical testing. Allele origin: germline.
Comment: This sequence change affects a donor splice site in intron 18 of the COL4A4 gene. It is expected to disrupt RNA splicing. Variants that disrupt the donor or acceptor splice site typically lead to a loss of protein function (PMID: 16199547), and loss-of-function variants in COL4A4 are known to be pathogenic (PMID: 21196518, 24854265, 25307543). This variant is not present in population databases (ExAC no frequency). Disruption of this splice site has been observed in individual(s) with autosomal recessive Alport syndrome (PMID: 24052634). In at least one individual the data is consistent with the variant being in trans (on the opposite chromosome) from a pathogenic variant. Algorithms developed to predict the effect of sequence changes on RNA splicing suggest that this variant may disrupt the consensus splice site. For these reasons, this variant has been classified as Pathogenic.

Literature cited by the submitters: PubMed 16199547 (cited by Labcorp Genetics (formerly Invitae), Labcorp); PubMed 21196518 (cited by Labcorp Genetics (formerly Invitae), Labcorp); PubMed 24854265 (cited by Labcorp Genetics (formerly Invitae), Labcorp); PubMed 25307543 (cited by Labcorp Genetics (formerly Invitae), Labcorp); PubMed 24052634 (cited by Labcorp Genetics (formerly Invitae), Labcorp).

NM_000092.5(COL4A4):c.1099+1G>T

Gene: COL4A4 (collagen type IV alpha 4 chain; minus strand). Cytogenetic location: 2q36.3.
Variant type: single nucleotide variant.
Coding change: c.1099+1G>T on transcript NM_000092.5 (MANE Select); the canonical splice donor site of the intron after coding-DNA position 1099, G replaced by T.
Molecular consequence: splice donor variant.
Genome position (GRCh38, 1-based): chr2:227,099,619, C>A on the plus strand (G>T on the coding strand, the complement: COL4A4 is on the minus strand). VCF-style: chr2-227099619-C-A. GRCh37 (hg19) VCF-style: chr2-227964335-C-A.
Identifiers: ClinVar variation 1333430 (VCV001333430.7), dbSNP rs1372782305, ClinGen allele CA350854601.